The following is an entry in ClinVar:

ClinVar aggregate classification (germline): Uncertain significance (1 of 4 stars; one submission).

Conditions:
CFTR-related disorder (CFTR-RD). Also called: CFTR-related disorders; CFTR-related condition. Identifiers: MedGen C5924204, MONDO:7770004.

Submission:

PreventionGenetics, part of Exact Sciences
Classification: Uncertain significance for CFTR-related condition. Last evaluated: 2025-09-07. Review status: criteria provided, single submitter. Criteria: ACMG Guidelines, 2015. Collection method: clinical testing. Allele origin: germline.
Comment: The CFTR c.3573G>C variant is predicted to result in the amino acid substitution p.Met1191Ile. To our knowledge, this variant has not been reported in the literature or in a large population database (gnomAD), indicating this variant is rare. At this time, the clinical significance of this variant is uncertain due to the absence of conclusive functional and genetic evidence.

NM_000492.4(CFTR):c.3573G>C (p.Met1191Ile)

Genes: CFTR (CF transmembrane conductance regulator; plus strand), CFTR-AS2 (CFTR antisense RNA 2; minus strand). Cytogenetic location: 7q31.2.
Variant type: single nucleotide variant.
Coding change: c.3573G>C on transcript NM_000492.4 (MANE Select); coding-DNA position 3573, G replaced by C.
Protein change: p.Met1191Ile; replaces methionine 1191 with isoleucine.
Molecular consequence: missense variant.
Genome position (GRCh38, 1-based): chr7:117,627,626, G>C. VCF-style: chr7-117627626-G-C. GRCh37 (hg19) VCF-style: chr7-117267680-G-C.
Other names: short protein forms M1191I.
Identifiers: ClinVar variation 4991680 (VCV004991680.1).